The following is an entry in ClinVar:

ClinVar aggregate classification (germline): Uncertain significance (1 of 4 stars; one submission).

Allele frequency attached by ClinVar (database versions not stated): gnomAD exomes below 0.00001 and 0.00001; gnomAD 0.00001; ExAC 0.00002; 1000 Genomes Project 30x 0.00016; 1000 Genomes Project 0.00020.
gnomAD v4.1: 2 of 1,614,012 alleles (0.00012%); highest among the groups gnomAD compares: African/African-American, 0.0027%; no homozygotes.

Submission:

Labcorp Genetics (formerly Invitae), Labcorp
Classification: Uncertain significance. Last evaluated: 2022-08-10. Review status: criteria provided, single submitter. Criteria: Invitae Variant Classification Sherloc (09022015). Collection method: clinical testing. Allele origin: germline.
Comment: This variant is present in population databases (rs551029738, gnomAD 0.01%). In summary, the available evidence is currently insufficient to determine the role of this variant in disease. Therefore, it has been classified as a Variant of Uncertain Significance. Algorithms developed to predict the effect of sequence changes on RNA splicing suggest that this variant may disrupt the consensus splice site. ClinVar contains an entry for this variant (Variation ID: 1477930). This variant has not been reported in the literature in individuals affected with SPP2-related conditions. This sequence change creates a premature translational stop signal (p.Gln54*) in the SPP2 gene. It is expected to result in an absent or disrupted protein product. However, the current clinical and genetic evidence is not sufficient to establish whether loss-of-function variants in SPP2 cause disease.

NM_006944.3(SPP2):c.160C>T (p.Gln54Ter)

Gene: SPP2 (secreted phosphoprotein 2; plus strand). Cytogenetic location: 2q37.1.
Variant type: single nucleotide variant.
Coding change: c.160C>T on transcript NM_006944.3 (MANE Select); coding-DNA position 160, C replaced by T.
Protein change: p.Gln54Ter; replaces glutamine 54 with a stop codon.
Molecular consequence: nonsense.
Genome position (GRCh38, 1-based): chr2:234,051,045, C>T. VCF-style: chr2-234051045-C-T. GRCh37 (hg19) VCF-style: chr2-234959689-C-T.
Other names: short protein forms Q54*.
Identifiers: ClinVar variation 1477930 (VCV001477930.6), dbSNP rs551029738, ClinGen allele CA2183098.
Genomic context (GRCh38, chr2:234,051,045, plus strand): 5'-GACTACGATCCATCCTCCTTAAGGGATGCCCTCAGTGCCTCTGTGGTAAAAGTGAATTCC[C>T]AGTCACTGAGTCCGTATCTGTTTCGGGCATTCAGAAGCTCATTAAAAAGAGTAAGTGCAA-3'